The following is an entry in ClinVar:

NM_001370259.2(MEN1):c.1646C>G (p.Pro549Arg)

Gene: MEN1 (menin 1; minus strand). Cytogenetic location: 11q13.1.
Variant type: single nucleotide variant.
Coding change: c.1646C>G on transcript NM_001370259.2 (MANE Select); coding-DNA position 1646, C replaced by G.
Protein change: p.Pro549Arg; replaces proline 549 with arginine.
Molecular consequence: missense variant. On other transcripts: non-coding transcript variant (4).
Genome position (GRCh38, 1-based): chr11:64,804,521, G>C on the plus strand (C>G on the coding strand, the complement: MEN1 is on the minus strand). VCF-style: chr11-64804521-G-C. GRCh37 (hg19) VCF-style: chr11-64571993-G-C.
Other names: c.1772C>G, p.Pro591Arg (NM_001407142.1, NM_001407143.1, NM_001407144.1 and 1 more transcripts); c.1661C>G, p.Pro554Arg (NM_001407145.1, NM_000244.4, NM_130800.3 and 4 more transcripts); c.1646C>G, p.Pro549Arg (NM_001407146.1, NM_001407147.1, NM_001370260.2 and 2 more transcripts); c.1541C>G, p.Pro514Arg (NM_001407148.1, NM_001407149.1, NM_001370262.2 and 1 more transcripts); c.1787C>G, p.Pro596Arg (NM_001407150.1); c.1667C>G, p.Pro556Arg (NM_001407151.1); c.1481C>G, p.Pro494Arg (NM_001407152.1); short protein forms P549R, P554R, P596R, P494R, P514R, P591R, P556R.
Identifiers: ClinVar variation 3394940 (VCV003394940.3).

ClinVar aggregate classification (germline): Uncertain significance. Review status: criteria provided, multiple submitters, no conflicts (2 of 4 stars). 2 submissions from 2 submitters: Uncertain significance (2). Last evaluated 2026-03-25.

Conditions:
Hereditary cancer-predisposing syndrome. Also called: Neoplastic Syndromes, Hereditary; Tumor predisposition; Hereditary Cancer Syndrome; Hereditary neoplastic syndrome. Identifiers: Orphanet 140162, MedGen C0027672, MeSH D009386, MONDO:0015356.
Multiple endocrine neoplasia, type 1 (MEN1). Also called: MEN I; WERMER SYNDROME; Endocrine adenomatosis multiple; MEN 1; MEA I. Identifiers: Orphanet 652, MedGen C0025267, MeSH D018761, MONDO:0007540, OMIM 131100.

Submissions (2):

Ambry Genetics
Classification: Uncertain significance for Hereditary cancer-predisposing syndrome. Last evaluated: 2026-03-25. Review status: criteria provided, single submitter. Criteria: Ambry Variant Classification Scheme 2023. Collection method: clinical testing. Allele origin: germline.
Comment: The p.P549R variant (also known as c.1646C>G), located in coding exon 9 of the MEN1 gene, results from a C to G substitution at nucleotide position 1646. The proline at codon 549 is replaced by arginine, an amino acid with dissimilar properties. This amino acid position is well conserved in available vertebrate species. In addition, this alteration is predicted to be deleterious by in silico analysis. Based on the available evidence, the clinical significance of this variant remains unclear.

Labcorp Genetics (formerly Invitae), Labcorp
Classification: Uncertain significance for Multiple endocrine neoplasia, type 1. Last evaluated: 2025-07-08. Review status: criteria provided, single submitter. Criteria: Invitae Variant Classification Sherloc (09022015). Collection method: clinical testing. Allele origin: germline.
Comment: This sequence change replaces proline, which is neutral and non-polar, with arginine, which is basic and polar, at codon 549 of the MEN1 protein (p.Pro549Arg). This variant is not present in population databases (gnomAD no frequency). This variant has not been reported in the literature in individuals affected with MEN1-related conditions. ClinVar contains an entry for this variant (Variation ID: 3394940). Invitae Evidence Modeling of protein sequence and biophysical properties (such as structural, functional, and spatial information, amino acid conservation, physicochemical variation, residue mobility, and thermodynamic stability) has been performed for this missense variant. However, the output from this modeling did not meet the statistical confidence thresholds required to predict the impact of this variant on MEN1 protein function. In summary, the available evidence is currently insufficient to determine the role of this variant in disease. Therefore, it has been classified as a Variant of Uncertain Significance.